The following is an entry in ClinVar:

ClinVar aggregate classification (germline): Uncertain significance (1 of 4 stars; one submission).

Conditions:
Joubert syndrome. Also called: CEREBELLOPARENCHYMAL DISORDER IV; JOUBERT-BOLTSHAUSER SYNDROME; Familial aplasia of the vermis. Identifiers: Orphanet 475, MedGen C5979921, MONDO:0018772.

Submission:

Labcorp Genetics (formerly Invitae), Labcorp
Classification: Uncertain significance for Joubert syndrome. Last evaluated: 2022-04-30. Review status: criteria provided, single submitter. Criteria: Invitae Variant Classification Sherloc (09022015). Collection method: clinical testing. Allele origin: germline.
Comment: In summary, the available evidence is currently insufficient to determine the role of this variant in disease. Therefore, it has been classified as a Variant of Uncertain Significance. Advanced modeling of protein sequence and biophysical properties (such as structural, functional, and spatial information, amino acid conservation, physicochemical variation, residue mobility, and thermodynamic stability) performed at Invitae indicates that this missense variant is not expected to disrupt INPP5E protein function. This variant has not been reported in the literature in individuals affected with INPP5E-related conditions. This variant is not present in population databases (gnomAD no frequency). This sequence change replaces aspartic acid, which is acidic and polar, with glutamic acid, which is acidic and polar, at codon 319 of the INPP5E protein (p.Asp319Glu).

NM_019892.6(INPP5E):c.957C>A (p.Asp319Glu)

Gene: INPP5E (inositol polyphosphate-5-phosphatase E; minus strand). Cytogenetic location: 9q34.3.
Variant type: single nucleotide variant.
Coding change: c.957C>A on transcript NM_019892.6 (MANE Select); coding-DNA position 957, C replaced by A.
Protein change: p.Asp319Glu; replaces aspartic acid 319 with glutamic acid.
Molecular consequence: missense variant.
Genome position (GRCh38, 1-based): chr9:136,434,114, G>T on the plus strand (C>A on the coding strand, the complement: INPP5E is on the minus strand). VCF-style: chr9-136434114-G-T. GRCh37 (hg19) VCF-style: chr9-139328566-G-T.
Other names: c.957C>A, p.Asp319Glu (NM_001318502.2); short protein forms D319E.
Identifiers: ClinVar variation 2132029 (VCV002132029.4), dbSNP rs1032007993, ClinGen allele CA375565172.